The following is an entry in ClinVar:

NC_000018.9:g.(?_55833010)_(55833103_?)del

Gene: NEDD4L (NEDD4 like E3 ubiquitin protein ligase; plus strand). Cytogenetic location: 18q21.31.
Variant type: Deletion.
Identifiers: ClinVar variation 1000225 (VCV001000225.1).

ClinVar aggregate classification (germline): Uncertain significance (1 of 4 stars; one submission).

Submission:

Labcorp Genetics (formerly Invitae), Labcorp
Classification: Uncertain significance. Last evaluated: 2020-10-26. Review status: criteria provided, single submitter. Criteria: Invitae Variant Classification Sherloc (09022015). Collection method: clinical testing. Allele origin: germline.
Comment: This variant is a gross deletion of the genomic region encompassing exon(s) 2 of the NEDD4L gene. This deletion is out-of-frame, and is expected to create a premature translational stop signal and result in an absent or disrupted protein product. However, the current clinical and genetic evidence is not sufficient to establish whether loss-of-function variants in NEDD4L cause disease. This variant has not been reported in the literature in individuals with NEDD4L-related conditions. In summary, the available evidence is currently insufficient to determine the role of this variant in disease. Therefore, it has been classified as a Variant of Uncertain Significance.